The following is an entry in ClinVar:

ClinVar aggregate classification (germline): Uncertain significance (1 of 4 stars; one submission).

Conditions:
Intellectual disability, autosomal recessive 53 (NEDHSCA). Also called: GLYCOSYLPHOSPHATIDYLINOSITOL BIOSYNTHESIS DEFECT 13; Mental retardation, autosomal recessive 53; NEURODEVELOPMENTAL DISORDER WITH OR WITHOUT HYPOTONIA, SEIZURES, AND CEREBELLAR ATROPHY. Identifiers: Orphanet 488635, MedGen C4310794, MONDO:0014832, OMIM 616917.

Submission:

Labcorp Genetics (formerly Invitae), Labcorp
Classification: Uncertain significance for Intellectual disability, autosomal recessive 53. Last evaluated: 2022-09-27. Review status: criteria provided, single submitter. Criteria: Invitae Variant Classification Sherloc (09022015). Collection method: clinical testing. Allele origin: germline.
Comment: This variant has not been reported in the literature in individuals affected with PIGG-related conditions. Algorithms developed to predict the effect of sequence changes on RNA splicing suggest that this variant may disrupt the consensus splice site. In summary, the available evidence is currently insufficient to determine the role of this variant in disease. Therefore, it has been classified as a Variant of Uncertain Significance. This variant is not present in population databases (gnomAD no frequency). This sequence change falls in intron 5 of the PIGG gene. It does not directly change the encoded amino acid sequence of the PIGG protein.

NM_001127178.3(PIGG):c.902-5T>G

Gene: PIGG (phosphatidylinositol glycan anchor biosynthesis class G (EMM blood group); plus strand). Cytogenetic location: 4p16.3.
Variant type: single nucleotide variant.
Coding change: c.902-5T>G on transcript NM_001127178.3 (MANE Select); 5 bases into the intron before coding-DNA position 902, T replaced by G.
Molecular consequence: intron variant.
Genome position (GRCh38, 1-based): chr4:515,968, T>G. VCF-style: chr4-515968-T-G. GRCh37 (hg19) VCF-style: chr4-509757-T-G.
Other names: c.-311-5T>G (NM_001345994.2); c.635-5T>G (NM_001345986.2, NM_001345987.2, NM_001289051.2 and 2 more transcripts); c.-586-5T>G (NM_001345991.2); c.-128-5T>G (NM_001345988.2); c.-724-5T>G (NM_001345990.2); c.902-5T>G (NM_017733.5, NM_001345989.2); c.503-5T>G (NM_001289052.2); c.536-5T>G (NM_001289055.2).
Identifiers: ClinVar variation 2016313 (VCV002016313.4), dbSNP rs2474763527, ClinGen allele CA2580070641.